The following is an entry in ClinVar:

ClinVar aggregate classification (germline): Uncertain significance (1 of 4 stars; one submission).

gnomAD v4.1: 4 of 1,614,204 alleles (0.00025%); highest among the groups gnomAD compares: Non-Finnish European, 0.00034%; no homozygotes.

Submission:

Labcorp Genetics (formerly Invitae), Labcorp
Classification: Uncertain significance. Last evaluated: 2024-06-19. Review status: criteria provided, single submitter. Criteria: Invitae Variant Classification Sherloc (09022015). Collection method: clinical testing. Allele origin: germline.
Comment: This sequence change replaces glycine, which is neutral and non-polar, with alanine, which is neutral and non-polar, at codon 35 of the JAK1 protein (p.Gly35Ala). This variant is not present in population databases (gnomAD no frequency). This variant has not been reported in the literature in individuals affected with JAK1-related conditions. An algorithm developed to predict the effect of missense changes on protein structure and function (PolyPhen-2) suggests that this variant is likely to be disruptive. In summary, the available evidence is currently insufficient to determine the role of this variant in disease. Therefore, it has been classified as a Variant of Uncertain Significance.

NM_002227.4(JAK1):c.104G>C (p.Gly35Ala)

Genes: JAK1 (Janus kinase 1; minus strand), LOC129930680 (ATAC-STARR-seq lymphoblastoid active region 1132; plus strand). Cytogenetic location: 1p31.3.
Variant type: single nucleotide variant.
Coding change: c.104G>C on transcript NM_002227.4 (MANE Select); coding-DNA position 104, G replaced by C.
Protein change: p.Gly35Ala; replaces glycine 35 with alanine.
Molecular consequence: missense variant.
Genome position (GRCh38, 1-based): chr1:64,883,378, C>G on the plus strand (G>C on the coding strand, the complement: JAK1 is on the minus strand). VCF-style: chr1-64883378-C-G. GRCh37 (hg19) VCF-style: chr1-65349061-C-G.
Other names: c.104G>C, p.Gly35Ala (NM_001320923.2, NM_001321852.2, NM_001321853.2 and 4 more transcripts); short protein forms G35A.
Identifiers: ClinVar variation 3681426 (VCV003681426.2).